The following is an entry in ClinVar:

NM_001378030.1(CCDC78):c.688G>A (p.Ala230Thr)

Gene: CCDC78 (coiled-coil domain containing 78; minus strand). Cytogenetic location: 16p13.3.
Variant type: single nucleotide variant.
Coding change: c.688G>A on transcript NM_001378030.1 (MANE Select); coding-DNA position 688, G replaced by A.
Protein change: p.Ala230Thr; replaces alanine 230 with threonine.
Molecular consequence: missense variant. On other transcripts: non-coding transcript variant (5), intron variant (1).
Genome position (GRCh38, 1-based): chr16:724,758, C>T on the plus strand (G>A on the coding strand, the complement: CCDC78 is on the minus strand). VCF-style: chr16-724758-C-T. GRCh37 (hg19) VCF-style: chr16-774758-C-T.
Other names: c.688G>A, p.Ala230Thr (NM_001031737.3, NM_001378031.1); c.199-249G>A (NM_001378033.1); short protein forms A230T.
Identifiers: ClinVar variation 2190687 (VCV002190687.4), dbSNP rs375089115, ClinGen allele CA7789457.
Genomic context (GRCh38, chr16:724,758, plus strand): 5'-AGTGTTGCAGCCGTAGGACGTACTCATCCTTCAGTTTCTTGAGCTGCAGCTGCAGCCGGG[C>T]ATTTTCAGCCTCTGCCTGACGGAGCTGGCCTTGGCAGCTGCACAGCACCTGGGGTGGAAG-3'
Protein context (NP_001364959.1, residues 220-240): GQLRQAEAEN[Ala230Thr]RLQLQLKKLK

ClinVar aggregate classification (germline): Uncertain significance (1 of 4 stars; one submission).

Conditions:
Congenital myopathy with internal nuclei and atypical cores. Also called: Myopathy, centronuclear, 4. Identifiers: Orphanet 319160, MedGen C4707232, MONDO:0013890, OMIM 614807.

Allele frequency attached by ClinVar (database versions not stated): ExAC 0.00001; gnomAD exomes 0.00001; TOPMed 0.00001; ESP Exome Variant Server 0.00008.
gnomAD v4.1: 8 of 1,612,138 alleles (0.0005%); highest among the groups gnomAD compares: Admixed American, 0.0067%; no homozygotes.

Submission:

Labcorp Genetics (formerly Invitae), Labcorp
Classification: Uncertain significance for Congenital myopathy with internal nuclei and atypical cores. Last evaluated: 2022-06-29. Review status: criteria provided, single submitter. Criteria: Invitae Variant Classification Sherloc (09022015). Collection method: clinical testing. Allele origin: germline.
Comment: This sequence change replaces alanine, which is neutral and non-polar, with threonine, which is neutral and polar, at codon 230 of the CCDC78 protein (p.Ala230Thr). This variant is present in population databases (rs375089115, gnomAD 0.01%). This variant has not been reported in the literature in individuals affected with CCDC78-related conditions. Algorithms developed to predict the effect of missense changes on protein structure and function (SIFT, PolyPhen-2, Align-GVGD) all suggest that this variant is likely to be tolerated. In summary, the available evidence is currently insufficient to determine the role of this variant in disease. Therefore, it has been classified as a Variant of Uncertain Significance.